The following is an entry in ClinVar:

NM_000018.4(ACADVL):c.1751G>C (p.Arg584Thr)

Gene: ACADVL (acyl-CoA dehydrogenase very long chain; plus strand). Cytogenetic location: 17p13.1.
Variant type: single nucleotide variant.
Coding change: c.1751G>C on transcript NM_000018.4 (MANE Select); coding-DNA position 1751, G replaced by C.
Protein change: p.Arg584Thr; replaces arginine 584 with threonine.
Molecular consequence: missense variant.
Genome position (GRCh38, 1-based): chr17:7,224,714, G>C. VCF-style: chr17-7224714-G-C. GRCh37 (hg19) VCF-style: chr17-7128033-G-C.
Other names: c.1685G>C, p.Arg562Thr (NM_001033859.3); c.1820G>C, p.Arg607Thr (NM_001270447.2); c.1523G>C, p.Arg508Thr (NM_001270448.2); short protein forms R607T, R508T, R562T, R584T.
Identifiers: ClinVar variation 932773 (VCV000932773.2), dbSNP rs754123613, ClinGen allele CA397725793.

ClinVar aggregate classification (germline): Uncertain significance (1 of 4 stars; one submission).

Conditions:
Very long chain acyl-CoA dehydrogenase deficiency (ACADVLD). Also called: Very Long-Chain Acyl-Coenzyme A Dehydrogenase Deficiency; VLCAD Deficiency. Identifiers: Orphanet 26793, MedGen C3887523, MONDO:0008723, OMIM 201475.

Submission:

Wong Mito Lab, Molecular and Human Genetics, Baylor College of Medicine
Classification: Uncertain significance for Very long chain acyl-CoA dehydrogenase deficiency. Last evaluated: 2019-11-01. Review status: criteria provided, single submitter. Criteria: ACMG Guidelines, 2015. Collection method: clinical testing. Allele origin: germline.
Comment: The NM_000018.3:c.1751G>C (NP_000009.1:p.Arg584Thr) [GRCH38: NC_000017.11:g.7224714G>C] variant in ACADVL gene is interpretated to be Uncertain Significance based on ACMG guidelines (PMID: 25741868). This variant has been reported. This variant meets the following evidence codes reported in the ACMG guidelines: PP3